The following is an entry in ClinVar:

NM_002225.5(IVD):c.895C>G (p.Leu299Val)

Gene: IVD (isovaleryl-CoA dehydrogenase; plus strand). Cytogenetic location: 15q15.1.
Variant type: single nucleotide variant.
Coding change: c.895C>G on transcript NM_002225.5 (MANE Select); coding-DNA position 895, C replaced by G.
Protein change: p.Leu299Val; replaces leucine 299 with valine.
Molecular consequence: missense variant. On other transcripts: non-coding transcript variant (1).
Genome position (GRCh38, 1-based): chr15:40,415,417, C>G. VCF-style: chr15-40415417-C-G. GRCh37 (hg19) VCF-style: chr15-40707616-C-G.
Other names: c.805C>G, p.Leu269Val (NM_001159508.3); c.847C>G, p.Leu283Val (NM_001354597.3); c.895C>G, p.Leu299Val (NM_001354598.3, NM_001354601.3); c.982C>G, p.Leu328Val (NM_001354599.3, NM_001354600.3); short protein forms L299V, L328V, L269V, L283V.
Identifiers: ClinVar variation 969525 (VCV000969525.13), dbSNP rs149247895, ClinGen allele CA7480794.

ClinVar aggregate classification (germline): Uncertain significance. Review status: criteria provided, single submitter (1 of 4 stars). 2 submissions from 2 submitters: Uncertain significance (1). 1 of the submissions does not count toward it. Last evaluated 2023-10-13.

Conditions:
Isovaleryl-CoA dehydrogenase deficiency (IVA). Also called: Isovaleric acidemia; ISOVALERIC ACID CoA DEHYDROGENASE DEFICIENCY; Classic Isovaleric Acidemia; IVD DEFICIENCY. Identifiers: Orphanet 33, MedGen C0268575, MONDO:0009475, OMIM 243500.

Allele frequency attached by ClinVar (database versions not stated): gnomAD exomes below 0.00001 and 0.00002; TOPMed 0.00002; ExAC 0.00003; gnomAD 0.00003; ESP Exome Variant Server 0.00008.

Submissions (2):

Labcorp Genetics (formerly Invitae), Labcorp
Classification: Uncertain significance for Isovaleryl-CoA dehydrogenase deficiency. Last evaluated: 2023-10-13. Review status: criteria provided, single submitter. Criteria: Invitae Variant Classification Sherloc (09022015). Collection method: clinical testing. Allele origin: germline.
Comment: This sequence change replaces leucine, which is neutral and non-polar, with valine, which is neutral and non-polar, at codon 302 of the IVD protein (p.Leu302Val). This variant is present in population databases (rs149247895, gnomAD 0.02%). This variant has not been reported in the literature in individuals affected with IVD-related conditions. ClinVar contains an entry for this variant (Variation ID: 969525). An algorithm developed to predict the effect of missense changes on protein structure and function (PolyPhen-2) suggests that this variant is likely to be tolerated. In summary, the available evidence is currently insufficient to determine the role of this variant in disease. Therefore, it has been classified as a Variant of Uncertain Significance.

Natera, Inc.
Classification: Uncertain significance for Isovaleryl-coa dehydrogenase deficiency. Last evaluated: 2018-07-28. Review status: no assertion criteria provided. Collection method: clinical testing. Allele origin: germline. Not counted in ClinVar's aggregate classification.